The following is an entry in ClinVar:

ClinVar aggregate classification (germline): Uncertain significance (1 of 4 stars; one submission).

Submission:

GeneDx
Classification: Uncertain significance. Last evaluated: 2022-10-14. Review status: criteria provided, single submitter. Criteria: GeneDx Variant Classification Process June 2021. Collection method: clinical testing. Allele origin: germline. Affected: yes.
Comment: Not observed at significant frequency in large population cohorts (gnomAD); In silico analysis supports that this missense variant has a deleterious effect on protein structure/function; Has not been previously published as pathogenic or benign to our knowledge

NM_022552.5(DNMT3A):c.334G>A (p.Gly112Ser)

Gene: DNMT3A (DNA methyltransferase 3 alpha; minus strand). Cytogenetic location: 2p23.3.
Variant type: single nucleotide variant.
Coding change: c.334G>A on transcript NM_022552.5 (MANE Select); coding-DNA position 334, G replaced by A.
Protein change: p.Gly112Ser; replaces glycine 112 with serine.
Molecular consequence: missense variant. On other transcripts: non-coding transcript variant (1).
Genome position (GRCh38, 1-based): chr2:25,282,555, C>T on the plus strand (G>A on the coding strand, the complement: DNMT3A is on the minus strand). VCF-style: chr2-25282555-C-T. GRCh37 (hg19) VCF-style: chr2-25505424-C-T.
Other names: c.334G>A, p.Gly112Ser (NM_001320892.2, NM_175629.2, NM_175630.1); short protein forms G112S.
Identifiers: ClinVar variation 2499211 (VCV002499211.1), dbSNP rs2465821559, ClinGen allele CA346083872.